The following is an entry in ClinVar:

ClinVar aggregate classification (germline): Uncertain significance (1 of 4 stars; one submission).

Submission:

Labcorp Genetics (formerly Invitae), Labcorp
Classification: Uncertain significance. Last evaluated: 2022-10-13. Review status: criteria provided, single submitter. Criteria: Invitae Variant Classification Sherloc (09022015). Collection method: clinical testing. Allele origin: germline.
Comment: This variant is not present in population databases (gnomAD no frequency). This sequence change replaces arginine, which is basic and polar, with cysteine, which is neutral and slightly polar, at codon 5 of the PHYH protein (p.Arg5Cys). This variant has not been reported in the literature in individuals affected with PHYH-related conditions. ClinVar contains an entry for this variant (Variation ID: 1465110). Algorithms developed to predict the effect of missense changes on protein structure and function are either unavailable or do not agree on the potential impact of this missense change (SIFT: "Deleterious"; PolyPhen-2: "Benign"; Align-GVGD: "Class C0"). In summary, the available evidence is currently insufficient to determine the role of this variant in disease. Therefore, it has been classified as a Variant of Uncertain Significance.

NM_006214.4(PHYH):c.13C>T (p.Arg5Cys)

Genes: PHYH (phytanoyl-CoA 2-hydroxylase; minus strand), LOC130003374 (ATAC-STARR-seq lymphoblastoid silent region 2152; plus strand). Cytogenetic location: 10p13.
Variant type: single nucleotide variant.
Coding change: c.13C>T on transcript NM_006214.4 (MANE Select); coding-DNA position 13, C replaced by T.
Protein change: p.Arg5Cys; replaces arginine 5 with cysteine.
Molecular consequence: missense variant.
Genome position (GRCh38, 1-based): chr10:13,300,030, G>A on the plus strand (C>T on the coding strand, the complement: PHYH is on the minus strand). VCF-style: chr10-13300030-G-A. GRCh37 (hg19) VCF-style: chr10-13342030-G-A.
Other names: c.13C>T, p.Arg5Cys (NM_001323082.2, NM_001323083.2); short protein forms R5C.
Identifiers: ClinVar variation 1465110 (VCV001465110.8), dbSNP rs1832707956, ClinGen allele CA376038501.